The following is an entry in ClinVar:

NM_001348323.3(TRIP12):c.2439G>T (p.Trp813Cys)

Gene: TRIP12 (thyroid hormone receptor interactor 12; minus strand). Cytogenetic location: 2q36.3.
Variant type: single nucleotide variant.
Coding change: c.2439G>T on transcript NM_001348323.3 (MANE Select); coding-DNA position 2439, G replaced by T.
Protein change: p.Trp813Cys; replaces tryptophan 813 with cysteine.
Molecular consequence: missense variant.
Genome position (GRCh38, 1-based): chr2:229,807,765, C>A on the plus strand (G>T on the coding strand, the complement: TRIP12 is on the minus strand). VCF-style: chr2-229807765-C-A. GRCh37 (hg19) VCF-style: chr2-230672481-C-A.
Other names: c.2439G>T, p.Trp813Cys (NM_001284214.2, NM_001348315.2, NM_001348319.1 and 11 more transcripts); c.2313G>T, p.Trp771Cys (NM_001284215.2, NM_001348316.2, NM_001348317.1 and 2 more transcripts); c.1404G>T, p.Trp468Cys (NM_001284216.2); c.2352G>T, p.Trp784Cys (NM_001348332.1); c.2295G>T, p.Trp765Cys (NM_004238.3); short protein forms W468C, W765C, W771C, W784C, W813C.
Identifiers: ClinVar variation 4881875 (VCV004881875.2).

ClinVar aggregate classification (germline): Uncertain significance (1 of 4 stars; one submission).

Conditions:
Clark-Baraitser syndrome. Also called: MENTAL RETARDATION, AUTOSOMAL DOMINANT 49; BARAITSER SYNDROME; Mental retardation, tall stature, obesity, macrocephaly and typical facial features; Intellectual disability, autosomal dominant 49. Identifiers: Orphanet 600731, MedGen C2931130, MONDO:0030914, OMIM 617752.

Submission:

Dasa
Classification: Uncertain significance for Clark-Baraitser syndrome. Last evaluated: 2025-03-13. Review status: criteria provided, single submitter. Criteria: DASA Assertion Criteria. Collection method: clinical testing. Allele origin: germline.
Comment: NM_001348323.3(TRIP12):c.2439G>T (p.Trp813Cys) is a missense variant that results in the substitution of tryptophan with cysteine. This variant is absent from population databases. The currently available literature and clinical evidence are not sufficient to establish a definitive association between this variant and the reported condition. Therefore, this variant is classified as a variant of uncertain significance.